The following is an entry in ClinVar:

NM_170707.4(LMNA):c.459_462del (p.Ser153fs)

Genes: LMNA (lamin A/C; plus strand), LOC126805877 (MED14-independent group 3 enhancer GRCh37_chr1:156099693-156100892; plus strand). Cytogenetic location: 1q22.
Variant type: Deletion.
Coding change: c.459_462del on transcript NM_170707.4 (MANE Select); coding-DNA positions 459 to 462, 4 bases deleted (TGAG; older notation c.459_462delTGAG).
Protein change: p.Ser153fs; shifts the reading frame from serine 153.
Molecular consequence: frameshift variant. On other transcripts: 5 prime UTR variant (7), intron variant (4).
Genome position (GRCh38, 1-based): chr1:156,130,719-156,130,722, TGAG deleted; deleting any 4 consecutive bases within chr1:156,130,717-156,130,722 gives the same sequence; the c. name uses the placement nearest the transcript's 3' end. VCF-style (leftmost placement, unchanged base first): chr1-156130716-CAGTG-C. GRCh37 (hg19) VCF-style: chr1-156100507-CAGTG-C.
Other names: c.-206_-203del (NM_001407000.1, NM_001406994.1, NM_001406999.1); c.-100_-97del (NM_001407003.1, NM_001406993.1, NM_001406996.1 and 1 more transcripts); c.459_462del, p.Ser153fs (NM_005572.4, NM_170708.4, NM_001282625.2 and 6 more transcripts); c.-45-3684_-45-3681del (NM_001407002.1, NM_001406995.1, NM_001406990.1); c.-151-3684_-151-3681del (NM_001407001.1); c.123_126del, p.Ser41fs (NM_001257374.3, NM_001406989.1, NM_001406998.1); c.216_219del, p.Ser72fs (NM_001282624.2, NM_001406986.1, NM_001406987.1); c.162_165del, p.Ser54fs (NM_001406988.1); short protein forms S72fs, S54fs, S153fs, S41fs.
Identifiers: ClinVar variation 5023605 (VCV005023605.1).
Genomic context (GRCh38, chr1:156,130,716, plus strand): 5'-TCGGCTGAAGGACCTGGAGGCTCTGCTGAACTCCAAGGAGGCCGCACTGAGCACTGCTCT[CAGTG>C]AGAAGCGCACGCTGGAGGGCGAGCTGCATGATCTGCGGGGCCAGGTGGCCAAGGTGAGGC-3'

ClinVar aggregate classification (germline): Pathogenic (1 of 4 stars; one submission).

Conditions:
Cardiovascular phenotype. Identifiers: MedGen CN230736.

Submission:

Ambry Genetics
Classification: Pathogenic for Cardiovascular phenotype. Last evaluated: 2026-06-29. Review status: criteria provided, single submitter. Criteria: Ambry Variant Classification Scheme 2023. Collection method: clinical testing. Allele origin: germline.
Comment: The c.459_462delTGAG pathogenic mutation, located in coding exon 2 of the LMNA gene, results from a deletion of 4 nucleotides at nucleotide positions 459 to 462, causing a translational frameshift with a predicted alternate stop codon (p.S153Rfs*23). This variant was reported in individual(s) with features consistent with LMNA-related laminopathy (van Rijsingen IA et al. Eur J Heart Fail, 2013 Apr;15:376-84). This variant is considered to be rare based on population cohorts in the Genome Aggregation Database (gnomAD). This alteration is expected to result in loss of function by premature protein truncation or nonsense-mediated mRNA decay. As such, this alteration is interpreted as a disease-causing mutation.

Literature cited by the submitters: PubMed 23183350.